The following is an entry in ClinVar:

NM_002471.4(MYH6):c.3586A>T (p.Lys1196Ter)

Gene: MYH6 (myosin heavy chain 6; minus strand). Cytogenetic location: 14q11.2.
Variant type: single nucleotide variant.
Coding change: c.3586A>T on transcript NM_002471.4 (MANE Select); coding-DNA position 3586, A replaced by T.
Protein change: p.Lys1196Ter; replaces lysine 1196 with a stop codon.
Molecular consequence: nonsense.
Genome position (GRCh38, 1-based): chr14:23,390,203, T>A on the plus strand (A>T on the coding strand, the complement: MYH6 is on the minus strand). VCF-style: chr14-23390203-T-A. GRCh37 (hg19) VCF-style: chr14-23859412-T-A.
Other names: short protein forms K1196*.
Identifiers: ClinVar variation 1732942 (VCV001732942.2), dbSNP rs1465037368, ClinGen allele CA389005886.
Genomic context (GRCh38, chr14:23,390,203, plus strand): 5'-TCACCCGCTGCAGGTTGTCGATCTGCTCGCCCAGCTCGGCCACGCTGTCGGCGTGCTTCT[T>A]GCGCAGGGCCGCGGCAGTGGCCTCGTGCTGCAGCGTGGCCTCCTCCAGGTCCCGCCGCAT-3'

ClinVar aggregate classification (germline): Uncertain significance (1 of 4 stars; one submission).

Conditions:
Cardiovascular phenotype. Identifiers: MedGen CN230736.

Allele frequency attached by ClinVar (database versions not stated): gnomAD 0.00001.
gnomAD v4.1: 1 of 1,603,718 alleles (0.000062%); highest among the groups gnomAD compares: African/African-American, 0.0013%; no homozygotes.

Submission:

Ambry Genetics
Classification: Uncertain significance for Cardiovascular phenotype. Last evaluated: 2020-05-06. Review status: criteria provided, single submitter. Criteria: Ambry Variant Classification Scheme 2023. Collection method: clinical testing. Allele origin: germline.
Comment: The p.K1196* variant (also known as c.3586A>T), located in coding exon 24 of the MYH6 gene, results from an A to T substitution at nucleotide position 3586. This changes the amino acid from a lysine to a stop codon within coding exon 24. This alteration is expected to result in premature protein truncation or nonsense-mediated mRNA decay. However, loss of function of MYH6 has not been clearly established as a mechanism of disease. Since supporting evidence is limited at this time, the clinical significance of this alteration remains unclear.